The following is an entry in ClinVar:

ClinVar aggregate classification (germline): Uncertain significance. Review status: criteria provided, multiple submitters, no conflicts (2 of 4 stars). 2 submissions from 2 submitters: Uncertain significance (2). Last evaluated 2026-04-06.

Conditions:
DDX41-related hematologic malignancy predisposition syndrome. Also called: Myeloproliferative/lymphoproliferative neoplasms, familial (multiple types), susceptibility to; DDX41-Associated Familial Myelodysplastic Syndrome and Acute Myeloid Leukemia. Identifiers: Orphanet 488647, MedGen C4225174, MONDO:0014809, OMIM 616871.
Inborn genetic diseases. Identifiers: MedGen C0950123, MeSH D030342.

Allele frequency attached by ClinVar (database versions not stated): gnomAD exomes below 0.00001.
gnomAD v4.1: 6 of 1,612,834 alleles (0.00037%); highest among the groups gnomAD compares: Non-Finnish European, 0.00051%; no homozygotes.

Submissions (2):

Ambry Genetics
Classification: Uncertain significance for Inborn genetic diseases. Last evaluated: 2026-04-06. Review status: criteria provided, single submitter. Criteria: Ambry Variant Classification Scheme 2023. Collection method: clinical testing. Allele origin: germline.
Comment: The p.C294F variant (also known as c.881G>T), located in coding exon 9 of the DDX41 gene, results from a G to T substitution at nucleotide position 881. The cysteine at codon 294 is replaced by phenylalanine, an amino acid with highly dissimilar properties. This amino acid position is well conserved in available vertebrate species. In addition, this alteration is predicted to be tolerated by in silico analysis. Based on the available evidence, the clinical significance of this variant remains unclear.

Baylor Genetics
Classification: Uncertain significance for DDX41-related hematologic malignancy predisposition syndrome. Last evaluated: 2023-11-09. Review status: criteria provided, single submitter. Criteria: ACMG Guidelines, 2015. Collection method: clinical testing. Allele origin: unknown.

NM_016222.4(DDX41):c.881G>T (p.Cys294Phe)

Gene: DDX41 (DEAD-box helicase 41; minus strand). Cytogenetic location: 5q35.3.
Variant type: single nucleotide variant.
Coding change: c.881G>T on transcript NM_016222.4 (MANE Select); coding-DNA position 881, G replaced by T.
Protein change: p.Cys294Phe; replaces cysteine 294 with phenylalanine.
Molecular consequence: missense variant.
Genome position (GRCh38, 1-based): chr5:177,514,755, C>A on the plus strand (G>T on the coding strand, the complement: DDX41 is on the minus strand). VCF-style: chr5-177514755-C-A. GRCh37 (hg19) VCF-style: chr5-176941756-C-A.
Other names: c.503G>T, p.Cys168Phe (NM_001321732.2, NM_001321830.2); c.881G>T (NM_016222.2); short protein forms C294F, C168F.
Identifiers: ClinVar variation 3241313 (VCV003241313.2), dbSNP rs1187779694.